The following is an entry in ClinVar:

NM_000402.4(G6PD):c.944G>A (p.Arg315His)

Gene: G6PD (glucose-6-phosphate dehydrogenase; minus strand). Cytogenetic location: Xq28.
Variant type: single nucleotide variant.
Coding change: c.944G>A on transcript NM_000402.4; coding-DNA position 944, G replaced by A.
Protein change: p.Arg315His; replaces arginine 315 with histidine.
Molecular consequence: missense variant.
Genome position (GRCh38, 1-based): chrX:154,533,586, C>T on the plus strand (G>A on the coding strand, the complement: G6PD is on the minus strand). VCF-style: chrX-154533586-C-T. GRCh37 (hg19) VCF-style: chrX-153761801-C-T.
Other names: G6PD Montalbano; c.854G>A, p.Arg285His (NM_001042351.3, NM_001360016.2); c.854G>A (NM_001042351.1); short protein forms R285H, R315H.
Identifiers: ClinVar variation 10362 (VCV000010362.26), dbSNP rs74575103, ClinGen allele CA120941.

ClinVar aggregate classification (germline): Pathogenic/Likely pathogenic. Review status: criteria provided, multiple submitters, no conflicts (2 of 4 stars). 7 submissions from 7 submitters: Pathogenic (2); Likely pathogenic (4). 1 of the submissions does not count toward it. Last evaluated 2025-08-11.

Conditions:
Malaria, susceptibility to. Identifiers: Orphanet 673, MedGen C1970028, MONDO:0021024, OMIM 611162.
Anemia, nonspherocytic hemolytic, due to G6PD deficiency (CNSHA1). Also called: Class I glucose-6-phosphate dehydrogenase deficiency; Favism, susceptibility to; ANEMIA, CONGENITAL, NONSPHEROCYTIC HEMOLYTIC, 1; Hemolytic anemia due to G6PD deficiency. Identifiers: Orphanet 466026, MedGen C2720289, MONDO:0010480, OMIM 300908.
G6PD deficiency. Also called: G6PD A-. Identifiers: MedGen C2939465, MONDO:0005775.

Allele frequency attached by ClinVar (database versions not stated): gnomAD 0.00002; gnomAD exomes 0.00001; TOPMed 0.00001.

Submissions (7):

Labcorp Genetics (formerly Invitae), Labcorp
Classification: Pathogenic for Anemia, nonspherocytic hemolytic, due to G6PD deficiency. Last evaluated: 2025-08-11. Review status: criteria provided, single submitter. Criteria: Invitae Variant Classification Sherloc (09022015). Collection method: clinical testing. Allele origin: germline.
Comment: This sequence change replaces arginine, which is basic and polar, with histidine, which is basic and polar, at codon 285 of the G6PD protein (p.Arg285His). This variant is not present in population databases (gnomAD no frequency). This missense change has been observed in individual(s) with glucose-6-phosphate dehydrogenase deficiency (PMID: 2321910, 8447319, 36212142). ClinVar contains an entry for this variant (Variation ID: 10362). Invitae Evidence Modeling of protein sequence and biophysical properties (such as structural, functional, and spatial information, amino acid conservation, physicochemical variation, residue mobility, and thermodynamic stability) indicates that this missense variant is expected to disrupt G6PD protein function with a positive predictive value of 95%. For these reasons, this variant has been classified as Pathogenic.

CeGaT Center for Human Genetics Tuebingen
Classification: Likely pathogenic. Last evaluated: 2024-07-01. Review status: criteria provided, single submitter. Criteria: CeGaT Center For Human Genetics Tuebingen Variant Classification Criteria Version 2. Collection method: clinical testing. Allele origin: germline. Affected: yes. Observed: 1 variant allele.
Comment: G6PD: PM3:Strong, PM2:Supporting, PM5:Supporting, PS3:Supporting

Baylor Genetics
Classification: Likely pathogenic for Malaria, susceptibility to. Last evaluated: 2024-03-14. Review status: criteria provided, single submitter. Criteria: ACMG Guidelines, 2015. Collection method: clinical testing. Allele origin: unknown.

Dunham Lab, University of Washington
Classification: Likely pathogenic for Anemia, nonspherocytic hemolytic, due to G6PD deficiency. Last evaluated: 2022-08-12. Review status: criteria provided, single submitter. Criteria: Bayesian ACMG Guidelines, 2018. Collection method: curation. Allele origin: maternal. Affected: yes.
Comment: Variant found in hemizygotes with G6PD deficiency (PP4), and in a heterozygous mother and hemizygous son both with deficiency (PP1). Decreased activity in red blood cells (18-22%) (PS3). Below expected carrier frequency in gnomAD (PM2). Post_P 0.975 (odds of pathogenicity 350.3, Prior_P 0.1).

MGZ Medical Genetics Center
Classification: Pathogenic for Anemia, nonspherocytic hemolytic, due to G6PD deficiency. Last evaluated: 2022-05-24. Review status: criteria provided, single submitter. Criteria: ACMG Guidelines, 2015. Collection method: clinical testing. Allele origin: germline. Affected: yes. Observed: 1 variant allele.
Comment: ACMG criteria applied: PS3, PS4_MOD, PM5, PM2_SUP, PP3

Juno Genomics, Hangzhou Juno Genomics, Inc
Classification: Likely pathogenic for Anemia, nonspherocytic hemolytic, due to G6PD deficiency; Malaria, susceptibility to. Review status: criteria provided, single submitter. Criteria: ACMG Guidelines, 2015. Collection method: clinical testing. Allele origin: germline.
Comment: Absent from controls (or at extremely low frequency if recessive) in Genome Aggregation Database.;Multiple lines of computational evidence support a deleterious effect on the gene or gene product.;The prevalence of the variant in affected individuals is significantly increased compared to the prevalence in controls.;Patient's phenotype or family history is highly specific for a disease with a single genetic etiology.

OMIM
Classification: Benign for G6PD MONTALBANO. Last evaluated: 2014-08-28. Review status: no assertion criteria provided. Collection method: literature only. Allele origin: germline. Not counted in ClinVar's aggregate classification.

Literature cited by the submitters: PubMed 2321910 (cited by 3 submitters); PubMed 8447319 (cited by Labcorp Genetics (formerly Invitae), Labcorp and Dunham Lab, University of Washington); PubMed 36212142 (cited by Labcorp Genetics (formerly Invitae), Labcorp); PubMed 2253938 (cited by Dunham Lab, University of Washington and OMIM).